The following is an entry in ClinVar:

ClinVar aggregate classification (germline): Uncertain significance. Review status: criteria provided, multiple submitters, no conflicts (2 of 4 stars). 3 submissions from 3 submitters: Uncertain significance (3). Last evaluated 2022-07-19.

Conditions:
Inborn genetic diseases. Identifiers: MedGen C0950123, MeSH D030342.
Vici syndrome (VICIS). Identifiers: Orphanet 1493, MedGen C1855772, MONDO:0009452, OMIM 242840.

Allele frequency attached by ClinVar (database versions not stated): gnomAD 0.00005; ExAC 0.00007; TOPMed 0.00012; ESP Exome Variant Server 0.00032.
gnomAD v4.1: 202 of 1,613,514 alleles (0.013%); highest among the groups gnomAD compares: Non-Finnish European, 0.016%; no homozygotes.

Submissions (3):

Labcorp Genetics (formerly Invitae), Labcorp
Classification: Uncertain significance for Vici syndrome. Last evaluated: 2022-07-19. Review status: criteria provided, single submitter. Criteria: Invitae Variant Classification Sherloc (09022015). Collection method: clinical testing. Allele origin: germline.
Comment: This sequence change replaces glutamine, which is neutral and polar, with histidine, which is basic and polar, at codon 1101 of the EPG5 protein (p.Gln1101His). This variant is present in population databases (rs201545867, gnomAD 0.01%). This variant has not been reported in the literature in individuals affected with EPG5-related conditions. ClinVar contains an entry for this variant (Variation ID: 1009479). Algorithms developed to predict the effect of missense changes on protein structure and function are either unavailable or do not agree on the potential impact of this missense change (SIFT: "Tolerated"; PolyPhen-2: "Probably Damaging"; Align-GVGD: "Class C0"). In summary, the available evidence is currently insufficient to determine the role of this variant in disease. Therefore, it has been classified as a Variant of Uncertain Significance.

GeneDx
Classification: Uncertain significance. Last evaluated: 2021-04-13. Review status: criteria provided, single submitter. Criteria: GeneDx Variant Classification Process June 2021. Collection method: clinical testing. Allele origin: germline. Affected: yes.
Comment: In silico analysis supports that this missense variant does not alter protein structure/function; Has not been previously published as pathogenic or benign to our knowledge

Ambry Genetics
Classification: Uncertain significance for Inborn genetic diseases. Last evaluated: 2021-01-26. Review status: criteria provided, single submitter. Criteria: Ambry Variant Classification Scheme 2023. Collection method: clinical testing. Allele origin: germline.
Comment: The c.3303A>C (p.Q1101H) alteration is located in exon 18 (coding exon 18) of the EPG5 gene. This alteration results from a A to C substitution at nucleotide position 3303, causing the glutamine (Q) at amino acid position 1101 to be replaced by a histidine (H). The p.Q1101H alteration is predicted to be tolerated by in silico analysis. Based on insufficient or conflicting evidence, the clinical significance of this alteration remains unclear.

NM_020964.3(EPG5):c.3303A>C (p.Gln1101His)

Gene: EPG5 (ectopic P-granules 5 autophagy tethering factor; minus strand). Cytogenetic location: 18q21.1.
Variant type: single nucleotide variant.
Coding change: c.3303A>C on transcript NM_020964.3 (MANE Select); coding-DNA position 3303, A replaced by C.
Protein change: p.Gln1101His; replaces glutamine 1101 with histidine.
Molecular consequence: missense variant.
Genome position (GRCh38, 1-based): chr18:45,916,519, T>G on the plus strand (A>C on the coding strand, the complement: EPG5 is on the minus strand). VCF-style: chr18-45916519-T-G. GRCh37 (hg19) VCF-style: chr18-43496484-T-G.
Other names: short protein forms Q1101H.
Identifiers: ClinVar variation 1009479 (VCV001009479.7), dbSNP rs201545867, ClinGen allele CA8949210.
Genomic context (GRCh38, chr18:45,916,519, plus strand): 5'-CTTCACGTTGTCCCCATGGCTGGCTCCTGTCAGGTGCTGTGCCACCTTGTGGGTGACCTG[T>G]TGTGTGACACCCTGAGGGACACCGCTGTCCAAGTGTAGGAACAAGAGGAGATGCGATAAA-3'
Protein context (NP_066015.2, residues 1091-1111): LDSGVPQGVT[Gln1101His]QVTHKVAQHL